The following is an entry in ClinVar:

NM_144991.3(TSPEAR):c.582A>T (p.Lys194Asn)

Gene: TSPEAR (thrombospondin type laminin G domain and EAR repeats; minus strand). Cytogenetic location: 21q22.3.
Variant type: single nucleotide variant.
Coding change: c.582A>T on transcript NM_144991.3 (MANE Select); coding-DNA position 582, A replaced by T.
Protein change: p.Lys194Asn; replaces lysine 194 with asparagine.
Molecular consequence: missense variant.
Genome position (GRCh38, 1-based): chr21:44,531,094, T>A on the plus strand (A>T on the coding strand, the complement: TSPEAR is on the minus strand). VCF-style: chr21-44531094-T-A. GRCh37 (hg19) VCF-style: chr21-45950977-T-A.
Other names: c.378A>T, p.Lys126Asn (NM_001272037.2); short protein forms K126N, K194N.
Identifiers: ClinVar variation 3183865 (VCV003183865.2), dbSNP rs781985435, ClinGen allele CA410446512.

ClinVar aggregate classification (germline): Uncertain significance. Review status: criteria provided, multiple submitters, no conflicts (2 of 4 stars). 2 submissions from 2 submitters: Uncertain significance (2). Last evaluated 2025-01-12.

Conditions:
Inborn genetic diseases. Identifiers: MedGen C0950123, MeSH D030342.

Allele frequency attached by ClinVar (database versions not stated): TOPMed 0.00001; gnomAD 0.00002.
gnomAD v4.1: 20 of 1,613,692 alleles (0.0012%); highest among the groups gnomAD compares: Non-Finnish European, 0.0015%; no homozygotes.

Submissions (2):

GeneDx
Classification: Uncertain significance. Last evaluated: 2025-01-12. Review status: criteria provided, single submitter. Criteria: GeneDx Variant Classification Process June 2021. Collection method: clinical testing. Allele origin: germline. Affected: yes.
Comment: Not observed at significant frequency in large population cohorts (gnomAD); In silico analysis indicates that this missense variant does not alter protein structure/function; Has not been previously published as pathogenic or benign to our knowledge

Ambry Genetics
Classification: Uncertain significance for Inborn genetic diseases. Last evaluated: 2023-09-21. Review status: criteria provided, single submitter. Criteria: Ambry Variant Classification Scheme 2023. Collection method: clinical testing. Allele origin: germline.